The following is an entry in ClinVar:

NM_002734.5(PRKAR1A):c.809C>G (p.Ala270Gly)

Gene: PRKAR1A (protein kinase cAMP-dependent type I regulatory subunit alpha; plus strand). Cytogenetic location: 17q24.2.
Variant type: single nucleotide variant.
Coding change: c.809C>G on transcript NM_002734.5 (MANE Select); coding-DNA position 809, C replaced by G.
Protein change: p.Ala270Gly; replaces alanine 270 with glycine.
Molecular consequence: missense variant.
Genome position (GRCh38, 1-based): chr17:68,528,909, C>G. VCF-style: chr17-68528909-C-G. GRCh37 (hg19) VCF-style: chr17-66525050-C-G.
Other names: c.809C>G, p.Ala270Gly (NM_001276289.2, NM_001276290.1, NM_001278433.2 and 4 more transcripts); short protein forms A270G.
Identifiers: ClinVar variation 2837244 (VCV002837244.3), dbSNP rs756503981, ClinGen allele CA400753867.
Genomic context (GRCh38, chr17:68,528,909, plus strand): 5'-ATTTTGATTCTTGTCTTTCAGAGTCTCTGGACAAGTGGGAACGTCTTACGGTAGCTGATG[C>G]ATTGGAACCAGTGCAGTTTGAAGATGGGCAGAAGATTGTGGTGCAGGGAGAACCAGGGGA-3'
Protein context (NP_002725.1, residues 260-280): DKWERLTVAD[Ala270Gly]LEPVQFEDGQ

ClinVar aggregate classification (germline): Uncertain significance (1 of 4 stars; one submission).

Conditions:
Carney complex, type 1 (CNC1). Also called: CARNEY COMPLEX, TYPE I; CARNEY MYXOMA-ENDOCRINE COMPLEX. Identifiers: Orphanet 1359, MedGen C2607929, MONDO:0008057, OMIM 160980.

Submission:

Labcorp Genetics (formerly Invitae), Labcorp
Classification: Uncertain significance for Carney complex, type 1. Last evaluated: 2023-11-11. Review status: criteria provided, single submitter. Criteria: Invitae Variant Classification Sherloc (09022015). Collection method: clinical testing. Allele origin: germline.
Comment: This sequence change replaces alanine, which is neutral and non-polar, with glycine, which is neutral and non-polar, at codon 270 of the PRKAR1A protein (p.Ala270Gly). This variant is not present in population databases (gnomAD no frequency). This variant has not been reported in the literature in individuals affected with PRKAR1A-related conditions. Advanced modeling of protein sequence and biophysical properties (such as structural, functional, and spatial information, amino acid conservation, physicochemical variation, residue mobility, and thermodynamic stability) has been performed at Invitae for this missense variant, however the output from this modeling did not meet the statistical confidence thresholds required to predict the impact of this variant on PRKAR1A protein function. In summary, the available evidence is currently insufficient to determine the role of this variant in disease. Therefore, it has been classified as a Variant of Uncertain Significance.